The following is an entry in ClinVar:

NM_032043.3(BRIP1):c.1504G>A (p.Glu502Lys)

Gene: BRIP1 (BRCA1 interacting DNA helicase 1; minus strand). Cytogenetic location: 17q23.2.
Variant type: single nucleotide variant.
Coding change: c.1504G>A on transcript NM_032043.3 (MANE Select); coding-DNA position 1504, G replaced by A.
Protein change: p.Glu502Lys; replaces glutamic acid 502 with lysine.
Molecular consequence: missense variant.
Genome position (GRCh38, 1-based): chr17:61,784,394, C>T on the plus strand (G>A on the coding strand, the complement: BRIP1 is on the minus strand). VCF-style: chr17-61784394-C-T. GRCh37 (hg19) VCF-style: chr17-59861755-C-T.
Other names: short protein forms E502K.
Identifiers: ClinVar variation 2050729 (VCV002050729.4), dbSNP rs2077671871, ClinGen allele CA400481399.

ClinVar aggregate classification (germline): Uncertain significance (1 of 4 stars; one submission).

Conditions:
Familial cancer of breast. Also called: Hereditary breast cancer; hereditary breast carcinoma; BREAST CANCER, FAMILIAL. Identifiers: Orphanet 227535, MedGen C0346153, MONDO:0016419, OMIM 114480. Disease mechanism: loss of function.
Fanconi anemia complementation group J. Also called: BRIP1-Related Fanconi Anemia. Identifiers: Orphanet 84, MedGen C1836860, MONDO:0012187, OMIM 609054.

Submission:

Labcorp Genetics (formerly Invitae), Labcorp
Classification: Uncertain significance for Familial cancer of breast; Fanconi anemia complementation group J. Last evaluated: 2022-08-08. Review status: criteria provided, single submitter. Criteria: Invitae Variant Classification Sherloc (09022015). Collection method: clinical testing. Allele origin: germline.
Comment: This variant is not present in population databases (gnomAD no frequency). In summary, the available evidence is currently insufficient to determine the role of this variant in disease. Therefore, it has been classified as a Variant of Uncertain Significance. Algorithms developed to predict the effect of missense changes on protein structure and function (SIFT, PolyPhen-2, Align-GVGD) all suggest that this variant is likely to be disruptive. This variant has not been reported in the literature in individuals affected with BRIP1-related conditions. This sequence change replaces glutamic acid, which is acidic and polar, with lysine, which is basic and polar, at codon 502 of the BRIP1 protein (p.Glu502Lys).